The following is an entry in ClinVar:

ClinVar aggregate classification (germline): Pathogenic (1 of 4 stars; one submission).

Conditions:
Angelman syndrome-like. Identifiers: MedGen CN128785.
Developmental and epileptic encephalopathy, 2 (DEE2). Also called: INFANTILE SPASM SYNDROME, X-LINKED 2; CDKL5 deficiency disorder. Identifiers: Orphanet 1934, Orphanet 3451, Orphanet 505652, MedGen C4750718, MONDO:0010396, OMIM 300672.

Submission:

Labcorp Genetics (formerly Invitae), Labcorp
Classification: Pathogenic for Developmental and epileptic encephalopathy, 2; Angelman syndrome-like. Last evaluated: 2024-01-22. Review status: criteria provided, single submitter. Criteria: Invitae Variant Classification Sherloc (09022015). Collection method: clinical testing. Allele origin: germline.
Comment: This sequence change replaces proline, which is neutral and non-polar, with alanine, which is neutral and non-polar, at codon 138 of the CDKL5 protein (p.Pro138Ala). This variant is not present in population databases (gnomAD no frequency). This missense change has been observed in individual(s) with clinical features of CDKL5-related conditions (Invitae). In at least one individual the variant was observed to be de novo. ClinVar contains an entry for this variant (Variation ID: 1038592). Advanced modeling of protein sequence and biophysical properties (such as structural, functional, and spatial information, amino acid conservation, physicochemical variation, residue mobility, and thermodynamic stability) performed at Invitae indicates that this missense variant is expected to disrupt CDKL5 protein function with a positive predictive value of 95%. For these reasons, this variant has been classified as Pathogenic.

NM_001323289.2(CDKL5):c.412C>G (p.Pro138Ala)

Gene: CDKL5 (cyclin dependent kinase like 5; plus strand). Cytogenetic location: Xp22.13.
Variant type: single nucleotide variant.
Coding change: c.412C>G on transcript NM_001323289.2 (MANE Select); coding-DNA position 412, C replaced by G.
Protein change: p.Pro138Ala; replaces proline 138 with alanine.
Molecular consequence: missense variant.
Genome position (GRCh38, 1-based): chrX:18,581,899, C>G. VCF-style: chrX-18581899-C-G. GRCh37 (hg19) VCF-style: chrX-18600019-C-G.
Other names: c.412C>G, p.Pro138Ala (NM_001037343.2, NM_003159.3); short protein forms P138A.
Identifiers: ClinVar variation 1038592 (VCV001038592.9), dbSNP rs1925492354, ClinGen allele CA412350751.